The following is an entry in ClinVar:

NM_000088.4(COL1A1):c.3875A>T (p.Asn1292Ile)

Gene: COL1A1 (collagen type I alpha 1 chain; minus strand). Cytogenetic location: 17q21.33.
Variant type: single nucleotide variant.
Coding change: c.3875A>T on transcript NM_000088.4 (MANE Select); coding-DNA position 3875, A replaced by T.
Protein change: p.Asn1292Ile; replaces asparagine 1292 with isoleucine.
Molecular consequence: missense variant.
Genome position (GRCh38, 1-based): chr17:50,186,447, T>A on the plus strand (A>T on the coding strand, the complement: COL1A1 is on the minus strand). VCF-style: chr17-50186447-T-A. GRCh37 (hg19) VCF-style: chr17-48263808-T-A.
Other names: short protein forms N1292I.
Identifiers: ClinVar variation 4781327 (VCV004781327.1).

ClinVar aggregate classification (germline): Uncertain significance (1 of 4 stars; one submission).

Conditions:
Osteogenesis imperfecta type I (OI1). Also called: Lobstein disease; Classic Non-deforming Osteogenesis Imperfecta with Blue Sclerae; OI, TYPE I; OSTEOGENESIS IMPERFECTA TARDA; OSTEOGENESIS IMPERFECTA WITH BLUE SCLERAE; Osteogenesis imperfecta type 1. Identifiers: Orphanet 216796, Orphanet 666, MedGen C0023931, MONDO:0008146, OMIM 166200. Disease mechanism: loss of function.

gnomAD v4.1: 1 of 1,614,224 alleles (0.000062%); highest among the groups gnomAD compares: South Asian, 0.0011%; no homozygotes.

Submission:

Labcorp Genetics (formerly Invitae), Labcorp
Classification: Uncertain significance for Osteogenesis imperfecta type I. Last evaluated: 2025-02-02. Review status: criteria provided, single submitter. Criteria: Invitae Variant Classification Sherloc (09022015). Collection method: clinical testing. Allele origin: germline.
Comment: This sequence change replaces asparagine, which is neutral and polar, with isoleucine, which is neutral and non-polar, at codon 1292 of the COL1A1 protein (p.Asn1292Ile). This variant is present in population databases (rs772353130, gnomAD 0.003%). This variant has not been reported in the literature in individuals affected with COL1A1-related conditions. Invitae Evidence Modeling of protein sequence and biophysical properties (such as structural, functional, and spatial information, amino acid conservation, physicochemical variation, residue mobility, and thermodynamic stability) indicates that this missense variant is expected to disrupt COL1A1 protein function with a positive predictive value of 95%. In summary, the available evidence is currently insufficient to determine the role of this variant in disease. Therefore, it has been classified as a Variant of Uncertain Significance.